The following is an entry in ClinVar:

ClinVar aggregate classification (germline): Uncertain significance (1 of 4 stars; one submission).

Conditions:
Multiple acyl-CoA dehydrogenase deficiency (MADD). Also called: Glutaric aciduria, type 2; Glutaric acidemia type II; GA 2; ETHYLMALONIC-ADIPICACIDURIA; GA II; Glutaric Acidemia type 2. Identifiers: Orphanet 26791, MedGen C0268596, MONDO:0009282, OMIM 231680.

Submission:

Labcorp Genetics (formerly Invitae), Labcorp
Classification: Uncertain significance for Multiple acyl-CoA dehydrogenase deficiency. Last evaluated: 2022-09-19. Review status: criteria provided, single submitter. Criteria: Invitae Variant Classification Sherloc (09022015). Collection method: clinical testing. Allele origin: germline.
Comment: In summary, the available evidence is currently insufficient to determine the role of this variant in disease. Therefore, it has been classified as a Variant of Uncertain Significance. This variant disrupts a region of the ETFA protein in which other variant(s) (p.Thr295_Lys321del) have been observed in individuals with ETFA-related conditions (PMID: 12815589). This suggests that this is a clinically significant region of the protein, and that variants that disrupt it are likely to be disease-causing. This variant has not been reported in the literature in individuals affected with ETFA-related conditions. This variant is a gross deletion of the genomic region encompassing exon(s) 11-12 of the ETFA gene, which includes the termination codon. This deletion extends beyond the assayed region for this gene and therefore may encompass additional genes. While this deletion is not anticipated to lead to nonsense mediated decay, it is expected to alter mRNA translation or result in a truncated protein product.

Literature cited by the submitters: PubMed 12815589.

NC_000015.9:g.(?_76508900)_(76518290_?)del

Gene: ETFA (electron transfer flavoprotein subunit alpha; minus strand). Cytogenetic location: 15q24.2.
Variant type: Deletion.
Identifiers: ClinVar variation 2422388 (VCV002422388.5).